The following is an entry in ClinVar:

ClinVar aggregate classification (germline): Benign. Review status: criteria provided, multiple submitters, no conflicts (2 of 4 stars). 2 submissions from 2 submitters: Benign (2). Last evaluated 2018-06-14.

Allele frequency attached by ClinVar (database versions not stated): 1000 Genomes Project 0.85383; 1000 Genomes Project 30x 0.85525; gnomAD 0.86954 and 0.87267; TOPMed 0.87410.
gnomAD v4.1: 511,452 of 589,864 alleles (87%); highest among the groups gnomAD compares: East Asian, 92%; 222,467 homozygotes.

Submissions (2):

GeneDx
Classification: Benign. Last evaluated: 2018-06-14. Review status: criteria provided, single submitter. Criteria: GeneDx Variant Classification (06012015). Collection method: clinical testing. Allele origin: germline. Affected: yes.
Comment: This variant is considered likely benign or benign based on one or more of the following criteria: it is a conservative change, it occurs at a poorly conserved position in the protein, it is predicted to be benign by multiple in silico algorithms, and/or has population frequency not consistent with disease.

Breakthrough Genomics
Classification: Benign. Review status: criteria provided, single submitter. Criteria: ACMG Guidelines, 2015. Collection method: not provided. Allele origin: germline. Inheritance: Autosomal dominant inheritance. Affected: yes.

NM_006939.4(SOS2):c.3338-142A>G

Gene: SOS2 (SOS Ras/Rho guanine nucleotide exchange factor 2; minus strand). Cytogenetic location: 14q21.3.
Variant type: single nucleotide variant.
Coding change: c.3338-142A>G on transcript NM_006939.4 (MANE Select); 142 bases into the intron before coding-DNA position 3338, A replaced by G.
Molecular consequence: intron variant.
Genome position (GRCh38, 1-based): chr14:50,130,144, T>C on the plus strand (A>G on the coding strand, the complement: SOS2 is on the minus strand). VCF-style: chr14-50130144-T-C. GRCh37 (hg19) VCF-style: chr14-50596862-T-C.
Identifiers: ClinVar variation 561523 (VCV000561523.2), dbSNP rs3759597, ClinGen allele CA14061003.
Genomic context (GRCh38, chr14:50,130,144, plus strand): 5'-AATACACAGTGCAGAATTTTATCATCATCTTTTGCCATGTTAGTTTTTTAAAAAATTAAC[T>C]CAGAACCTTCTGTATCTAGAATGGTTTTCCTTCTTAGCATTAAGTGGTTCCCCCTCTATC-3'